The following is an entry in ClinVar:

NM_182972.3(IRF2BP2):c.1498A>G (p.Thr500Ala)

Gene: IRF2BP2 (interferon regulatory factor 2 binding protein 2; minus strand). Cytogenetic location: 1q42.3.
Variant type: single nucleotide variant.
Coding change: c.1498A>G on transcript NM_182972.3 (MANE Select); coding-DNA position 1498, A replaced by G.
Protein change: p.Thr500Ala; replaces threonine 500 with alanine.
Molecular consequence: missense variant.
Genome position (GRCh38, 1-based): chr1:234,607,403, T>C on the plus strand (A>G on the coding strand, the complement: IRF2BP2 is on the minus strand). VCF-style: chr1-234607403-T-C. GRCh37 (hg19) VCF-style: chr1-234743149-T-C.
Other names: c.1450A>G, p.Thr484Ala (NM_001077397.1); short protein forms T484A, T500A.
Identifiers: ClinVar variation 2621460 (VCV002621460.4), dbSNP rs763561337, ClinGen allele CA1461549.

ClinVar aggregate classification (germline): Conflicting classifications of pathogenicity. Review status: criteria provided, conflicting classifications (1 of 4 stars). 2 submissions from 2 submitters: Uncertain significance (1); Likely benign (1). Last evaluated 2026-01-11.

Allele frequency attached by ClinVar (database versions not stated): gnomAD 0.00001; ExAC 0.00002; TOPMed 0.00001; gnomAD exomes 0.00001.
gnomAD v4.1: 12 of 1,613,982 alleles (0.00074%); highest among the groups gnomAD compares: South Asian, 0.0011%; no homozygotes.

Submissions (2):

Labcorp Genetics (formerly Invitae), Labcorp
Classification: Uncertain significance. Last evaluated: 2026-01-11. Review status: criteria provided, single submitter. Criteria: Invitae Variant Classification Sherloc (09022015). Collection method: clinical testing. Allele origin: germline.
Comment: This sequence change replaces threonine, which is neutral and polar, with alanine, which is neutral and non-polar, at codon 500 of the IRF2BP2 protein (p.Thr500Ala). This variant is present in population databases (rs763561337, gnomAD 0.003%). This variant has not been reported in the literature in individuals affected with IRF2BP2-related conditions. ClinVar contains an entry for this variant (Variation ID: 2621460). An algorithm developed to predict the effect of missense changes on protein structure and function outputs the following: PolyPhen-2: "Benign". The alanine amino acid residue is found in multiple mammalian species, which suggests that this missense change does not adversely affect protein function. In summary, the available evidence is currently insufficient to determine the role of this variant in disease. Therefore, it has been classified as a Variant of Uncertain Significance.

Ambry Genetics
Classification: Likely benign. Last evaluated: 2023-08-22. Review status: criteria provided, single submitter. Criteria: Ambry Variant Classification Scheme 2023. Collection method: clinical testing. Allele origin: germline.